The following is an entry in ClinVar:

NM_000400.4(ERCC2):c.360+1G>A

Gene: ERCC2 (ERCC excision repair 2, TFIIH core complex helicase subunit; minus strand). Cytogenetic location: 19q13.32.
Variant type: single nucleotide variant.
Coding change: c.360+1G>A on transcript NM_000400.4 (MANE Select); the canonical splice donor site of the intron after coding-DNA position 360, G replaced by A.
Molecular consequence: splice donor variant.
Genome position (GRCh38, 1-based): chr19:45,368,629, C>T on the plus strand (G>A on the coding strand, the complement: ERCC2 is on the minus strand). VCF-style: chr19-45368629-C-T. GRCh37 (hg19) VCF-style: chr19-45871887-C-T.
Other names: c.288+1G>A (NM_001130867.2).
Identifiers: ClinVar variation 2884176 (VCV002884176.3), dbSNP rs2514043578, ClinGen allele CA406377901.

ClinVar aggregate classification (germline): Likely pathogenic (1 of 4 stars; one submission).

Allele frequency attached by ClinVar (database versions not stated): gnomAD exomes below 0.00001.
gnomAD v4.1: 1 of 1,601,394 alleles (0.000062%); highest among the groups gnomAD compares: Non-Finnish European, 0.000086%; no homozygotes.

Submission:

Labcorp Genetics (formerly Invitae), Labcorp
Classification: Likely pathogenic. Last evaluated: 2023-11-19. Review status: criteria provided, single submitter. Criteria: Invitae Variant Classification Sherloc (09022015). Collection method: clinical testing. Allele origin: germline.
Comment: This sequence change affects a donor splice site in intron 5 of the ERCC2 gene. It is expected to disrupt RNA splicing. Variants that disrupt the donor or acceptor splice site typically lead to a loss of protein function (PMID: 16199547), and loss-of-function variants in ERCC2 are known to be pathogenic (PMID: 9238033, 11335038, 19085937, 19934020). This variant is not present in population databases (gnomAD no frequency). This variant has not been reported in the literature in individuals affected with ERCC2-related conditions. Algorithms developed to predict the effect of sequence changes on RNA splicing suggest that this variant may disrupt the consensus splice site. In summary, the currently available evidence indicates that the variant is pathogenic, but additional data are needed to prove that conclusively. Therefore, this variant has been classified as Likely Pathogenic.

Literature cited by the submitters: PubMed 16199547; PubMed 9238033; PubMed 11335038; PubMed 19085937; PubMed 19934020.